The following is an entry in ClinVar:

NM_000222.3(KIT):c.2278G>A (p.Asp760Asn)

Gene: KIT (KIT proto-oncogene, receptor tyrosine kinase; plus strand). Cytogenetic location: 4q12.
Variant type: single nucleotide variant.
Coding change: c.2278G>A on transcript NM_000222.3 (MANE Select); coding-DNA position 2278, G replaced by A.
Protein change: p.Asp760Asn; replaces aspartic acid 760 with asparagine.
Molecular consequence: missense variant.
Genome position (GRCh38, 1-based): chr4:54,731,915, G>A. VCF-style: chr4-54731915-G-A. GRCh37 (hg19) VCF-style: chr4-55598081-G-A.
Other names: c.2266G>A, p.Asp756Asn (NM_001093772.2, NM_001385292.1); c.2281G>A, p.Asp761Asn (NM_001385284.1); c.2275G>A, p.Asp759Asn (NM_001385285.1); c.2263G>A, p.Asp755Asn (NM_001385286.1); c.2269G>A, p.Asp757Asn (NM_001385288.1); c.2278G>A, p.Asp760Asn (NM_001385290.1); short protein forms D755N, D756N, D757N, D759N, D760N, D761N.
Identifiers: ClinVar variation 3617182 (VCV003617182.2).

ClinVar aggregate classification (germline): Uncertain significance (1 of 4 stars; one submission).

Conditions:
Gastrointestinal stromal tumor. Also called: Gastrointestinal stromal tumor, somatic; Gastrointestinal stroma tumor. Identifiers: Orphanet 44890, MedGen C0238198, MeSH D046152, MONDO:0011719, OMIM 606764, HP:0100723.

gnomAD v4.1: 1 of 1,613,708 alleles (0.000062%); highest among the groups gnomAD compares: Non-Finnish European, 0.000085%; no homozygotes.

Submission:

Labcorp Genetics (formerly Invitae), Labcorp
Classification: Uncertain significance for Gastrointestinal stromal tumor. Last evaluated: 2024-09-12. Review status: criteria provided, single submitter. Criteria: Invitae Variant Classification Sherloc (09022015). Collection method: clinical testing. Allele origin: germline.
Comment: This sequence change replaces aspartic acid, which is acidic and polar, with asparagine, which is neutral and polar, at codon 760 of the KIT protein (p.Asp760Asn). This variant is not present in population databases (gnomAD no frequency). This variant has not been reported in the literature in individuals affected with KIT-related conditions. An algorithm developed to predict the effect of missense changes on protein structure and function (PolyPhen-2) suggests that this variant is likely to be disruptive. In summary, the available evidence is currently insufficient to determine the role of this variant in disease. Therefore, it has been classified as a Variant of Uncertain Significance.